The following is an entry in ClinVar:

ClinVar aggregate classification (germline): Likely benign. Review status: criteria provided, multiple submitters, no conflicts (2 of 4 stars). 4 submissions from 4 submitters: Likely benign (4). Last evaluated 2026-05-06.

Conditions:
KMT2A-related disorder. Also called: KMT2A-related condition.

Allele frequency attached by ClinVar (database versions not stated): gnomAD exomes below 0.00001; TOPMed 0.00001; gnomAD 0.00002; ESP Exome Variant Server 0.00008.
gnomAD v4.1: 12 of 1,613,876 alleles (0.00074%); highest among the groups gnomAD compares: African/African-American, 0.0093%; no homozygotes.

Submissions (4):

PreventionGenetics, part of Exact Sciences
Classification: Likely benign for KMT2A-related condition. Last evaluated: 2026-05-06. Review status: criteria provided, single submitter. Criteria: ACMG Guidelines, 2015. Collection method: clinical testing. Allele origin: germline.
Comment: This variant is classified as likely benign based on ACMG/AMP sequence variant interpretation guidelines (Richards et al. 2015 PMID: 25741868, with internal and published modifications).

CeGaT Center for Human Genetics Tuebingen
Classification: Likely benign. Last evaluated: 2025-06-01. Review status: criteria provided, single submitter. Criteria: CeGaT Center For Human Genetics Tuebingen Variant Classification Criteria Version 2. Collection method: clinical testing. Allele origin: germline. Affected: yes. Observed: 1 variant allele.
Comment: KMT2A: BP4, BP7

Labcorp Genetics (formerly Invitae), Labcorp
Classification: Likely benign. Last evaluated: 2024-10-16. Review status: criteria provided, single submitter. Criteria: Invitae Variant Classification Sherloc (09022015). Collection method: clinical testing. Allele origin: germline.

Blueprint Genetics
Classification: Likely benign. Last evaluated: 2024-09-02. Review status: criteria provided, single submitter. Criteria: ACMG Guidelines, 2015. Collection method: clinical testing. Allele origin: germline.

NM_001197104.2(KMT2A):c.2409G>C (p.Leu803=)

Gene: KMT2A (lysine methyltransferase 2A; plus strand). Cytogenetic location: 11q23.3.
Variant type: single nucleotide variant.
Coding change: c.2409G>C on transcript NM_001197104.2 (MANE Select); coding-DNA position 2409, G replaced by C.
Protein change: p.Leu803=; no amino-acid change (leucine 803 retained).
Molecular consequence: synonymous variant.
Genome position (GRCh38, 1-based): chr11:118,473,568, G>C. VCF-style: chr11-118473568-G-C. GRCh37 (hg19) VCF-style: chr11-118344283-G-C.
Other names: c.2409G>C (NM_001197104.1); c.2409G>C, p.Leu803= (NM_005933.4).
Identifiers: ClinVar variation 1649781 (VCV001649781.18), dbSNP rs369782631, ClinGen allele CA229521924.
Genomic context (GRCh38, chr11:118,473,568, plus strand): 5'-TGTTAGTCCTCTTGCCACTAGTGCCTTAAACCCAACTTTTACTTTTCCTTCTCATTCCCT[G>C]ACTCAGTCTGGGGAATCTGCAGAGAAAAATCAGAGACCAAGGAAGCAGACTAGTGCTCCG-3'
Protein context (NP_001184033.1, residues 793-813): NPTFTFPSHS[Leu803=]TQSGESAEKN